The following is an entry in ClinVar:

NM_033198.4(PIGS):c.1634G>A (p.Arg545His)

Gene: PIGS (phosphatidylinositol glycan anchor biosynthesis class S; minus strand). Cytogenetic location: 17q11.2.
Variant type: single nucleotide variant.
Coding change: c.1634G>A on transcript NM_033198.4 (MANE Select); coding-DNA position 1634, G replaced by A.
Protein change: p.Arg545His; replaces arginine 545 with histidine.
Molecular consequence: missense variant.
Genome position (GRCh38, 1-based): chr17:28,554,254, C>T on the plus strand (G>A on the coding strand, the complement: PIGS is on the minus strand). VCF-style: chr17-28554254-C-T. GRCh37 (hg19) VCF-style: chr17-26881272-C-T.
Other names: c.1634G>A (NM_033198.3); short protein forms R545H.
Identifiers: ClinVar variation 2647579 (VCV002647579.26), dbSNP rs202057961, ClinGen allele CA8459941.

ClinVar aggregate classification (germline): Likely benign. Review status: criteria provided, multiple submitters, no conflicts (2 of 4 stars). 3 submissions from 3 submitters: Likely benign (2). 1 of the submissions does not count toward it. Last evaluated 2024-10-01.

Conditions:
PIGS-related disorder. Also called: PIGS-related condition.

Allele frequency attached by ClinVar (database versions not stated): TOPMed 0.00008; gnomAD 0.00029; ExAC 0.00129; 1000 Genomes Project 30x 0.00250; 1000 Genomes Project 0.00280.
gnomAD v4.1: 883 of 1,614,100 alleles (0.055%); highest among the groups gnomAD compares: South Asian, 0.9%; 9 homozygotes.

Submissions (3):

CeGaT Center for Human Genetics Tuebingen
Classification: Likely benign. Last evaluated: 2024-10-01. Review status: criteria provided, single submitter. Criteria: CeGaT Center For Human Genetics Tuebingen Variant Classification Criteria Version 2. Collection method: clinical testing. Allele origin: germline. Affected: yes. Observed: 2 variant alleles.
Comment: PIGS: BP4, BS2

Blueprint Genetics
Classification: Likely benign. Last evaluated: 2024-08-02. Review status: criteria provided, single submitter. Criteria: ACMG Guidelines, 2015. Collection method: clinical testing. Allele origin: germline.

PreventionGenetics, part of Exact Sciences
Classification: Benign for PIGS-related condition. Last evaluated: 2019-05-14. Review status: no assertion criteria provided. Collection method: clinical testing. Allele origin: germline. Not counted in ClinVar's aggregate classification.
Comment: This variant is classified as benign based on ACMG/AMP sequence variant interpretation guidelines (Richards et al. 2015 PMID: 25741868, with internal and published modifications).